The following is an entry in ClinVar:

ClinVar aggregate classification (germline): Likely benign. Review status: criteria provided, single submitter (1 of 4 stars). 2 submissions from 2 submitters: Likely benign (1). 1 of the submissions does not count toward it. Last evaluated 2026-04-27.

Conditions:
TRPM3-related disorder. Also called: TRPM3-related condition.

Allele frequency attached by ClinVar (database versions not stated): gnomAD exomes 0.00002; ExAC 0.00009; ESP Exome Variant Server 0.00023; gnomAD 0.00026; TOPMed 0.00028.
gnomAD v4.1: 72 of 1,614,104 alleles (0.0045%); highest among the groups gnomAD compares: African/African-American, 0.077%; no homozygotes.

Submissions (2):

Women's Health and Genetics/Laboratory Corporation of America, LabCorp
Classification: Likely benign. Last evaluated: 2026-04-27. Review status: criteria provided, single submitter. Criteria: LabCorp Variant Classification Summary - May 2015. Collection method: clinical testing. Allele origin: germline.

PreventionGenetics, part of Exact Sciences
Classification: Likely benign for TRPM3-related condition. Last evaluated: 2019-09-10. Review status: no assertion criteria provided. Collection method: clinical testing. Allele origin: germline. Not counted in ClinVar's aggregate classification.
Comment: This variant is classified as likely benign based on ACMG/AMP sequence variant interpretation guidelines (Richards et al. 2015 PMID: 25741868, with internal and published modifications).

NM_001366145.2(TRPM3):c.2703T>C (p.Tyr901=)

Gene: TRPM3 (transient receptor potential cation channel subfamily M member 3; minus strand). Cytogenetic location: 9q21.12.
Variant type: single nucleotide variant.
Coding change: c.2703T>C on transcript NM_001366145.2 (MANE Select); coding-DNA position 2703, T replaced by C.
Protein change: p.Tyr901=; no amino-acid change (tyrosine 901 retained).
Molecular consequence: synonymous variant.
Genome position (GRCh38, 1-based): chr9:70,603,435, A>G on the plus strand (T>C on the coding strand, the complement: TRPM3 is on the minus strand). VCF-style: chr9-70603435-A-G. GRCh37 (hg19) VCF-style: chr9-73218351-A-G.
Other names: c.2673T>C, p.Tyr891= (NM_001366141.2, NM_001366143.2, NM_001366149.2); c.2709T>C, p.Tyr903= (NM_001366142.2); c.2703T>C, p.Tyr901= (NM_001366146.2); c.2778T>C, p.Tyr926= (NM_001366147.2, NM_001366152.2); c.2748T>C, p.Tyr916= (NM_001366148.2); c.2637T>C, p.Tyr879= (NM_001366150.2); c.2667T>C, p.Tyr889= (NM_001366151.2, NM_001007471.4); c.2244T>C, p.Tyr748= (NM_001366154.2, NM_024971.7); and 5 more.
Identifiers: ClinVar variation 3040555 (VCV003040555.3), dbSNP rs150886635, ClinGen allele CA5078221.